The following is an entry in ClinVar:

NM_000545.8(HNF1A):c.415C>T (p.Leu139Phe)

Gene: HNF1A (HNF1 homeobox A; plus strand). Cytogenetic location: 12q24.31.
Variant type: single nucleotide variant.
Coding change: c.415C>T on transcript NM_000545.8 (MANE Select); coding-DNA position 415, C replaced by T.
Protein change: p.Leu139Phe; replaces leucine 139 with phenylalanine.
Molecular consequence: missense variant.
Genome position (GRCh38, 1-based): chr12:120,988,921, C>T. VCF-style: chr12-120988921-C-T. GRCh37 (hg19) VCF-style: chr12-121426724-C-T.
Other names: NM_000545.8(HNF1A):c.415C>T; p.Leu139Phe; c.415C>T (NM_000545.5); c.415C>T, p.Leu139Phe (NM_001306179.2); short protein forms L139F.
Identifiers: ClinVar variation 1338462 (VCV001338462.10), dbSNP rs1475566248, ClinGen allele CA386959775.
Genomic context (GRCh38, chr12:120,988,921, plus strand): 5'-GTCAAGTCCTACCTGCAGCAGCACAACATCCCACAGCGGGAGGTGGTCGATACCACTGGC[C>T]TCAACCAGTCCCACCTGTCCCAACACCTCAACAAGGGCACTCCCATGAAGACGCAGAAGC-3'
Protein context (NP_000536.6, residues 129-149): PQREVVDTTG[Leu139Phe]NQSHLSQHLN

ClinVar aggregate classification (germline): Likely pathogenic. Review status: reviewed by expert panel (3 of 4 stars). 6 submissions from 6 submitters: Likely pathogenic (1). 5 of the submissions do not count toward it. Last evaluated 2024-10-02.

Conditions:
HNF1A-related disorder. Also called: HNF1A-related condition.
HNF1A-related disorders.
Monogenic diabetes. Identifiers: Orphanet 183625, MedGen C3888631, MONDO:0015967.

Allele frequency attached by ClinVar (database versions not stated): gnomAD exomes below 0.00001.

Submissions (6):

ClinGen Monogenic Diabetes Variant Curation Expert Panel
Classification: Likely pathogenic for Monogenic diabetes. Last evaluated: 2024-10-02. Review status: reviewed by expert panel. Criteria: ClinGen Diabetes ACMG Specifications HNF1A V2.1.0. Collection method: curation. Allele origin: germline. Inheritance: Autosomal dominant inheritance.
Comment: The c.415C>T variant in the HNF1 homeobox A gene, HNF1A, causes an amino acid change of leucine to phenylalanine at codon 139 (p.(Leu139Phe)) of NM_000545.8. This variant is located within a conserved region of the DNA binding domain (codons 107-174 and 201-280) of HNF1A, which is defined as critical for the protein’s function by the ClinGen MDEP (PM1_Supporting). This variant is predicted to be deleterious by computational evidence, with a REVEL score of 0.903, which is greater than the MDEP VCEP threshold of 0.70 (PP3). This variant is absent from gnomAD v2.1.1 (PM2_Supporting). This variant was identified in 4 unrelated individuals with non-autoimmune and non-absolute/near-absolute insulin-deficient diabetes (PS4_Moderate, internal lab contributors). Two other missense variants, c.416T>C p.Leu139Pro and c.415C>G p.Leu139Val, have been classified as likely pathogenic by the ClinGen MDEP (PM5_Supporting). In summary, c.415C>T meets the criteria to be classified as likely pathogenic for monogenic diabetes. ACMG/AMP criteria applied, as specified by the ClinGen MDEP (specification version 2.1.0, approved 8/11/2023): PP4_Moderate, PP3, PM1_Supporting, PM2_Supporting, PM5_Supporting.

GeneDx
Classification: Likely pathogenic. Last evaluated: 2026-09-11. Review status: criteria provided, single submitter. Criteria: GeneDx Variant Classification Process June 2021. Collection method: clinical testing. Allele origin: germline. Not counted in ClinVar's aggregate classification.
Comment: Not observed at significant frequency in large population cohorts (gnomAD); In silico analysis supports that this missense variant has a deleterious effect on protein structure/function; This variant is associated with the following publications: (PMID: 18003757, 12453420, 39469542)

Labcorp Genetics (formerly Invitae), Labcorp
Classification: Uncertain significance. Last evaluated: 2025-05-18. Review status: criteria provided, single submitter. Criteria: Invitae Variant Classification Sherloc (09022015). Collection method: clinical testing. Allele origin: germline. Not counted in ClinVar's aggregate classification.
Comment: This sequence change replaces leucine, which is neutral and non-polar, with phenylalanine, which is neutral and non-polar, at codon 139 of the HNF1A protein (p.Leu139Phe). This variant is not present in population databases (gnomAD no frequency). This variant has not been reported in the literature in individuals affected with HNF1A-related conditions. ClinVar contains an entry for this variant (Variation ID: 1338462). Invitae Evidence Modeling of protein sequence and biophysical properties (such as structural, functional, and spatial information, amino acid conservation, physicochemical variation, residue mobility, and thermodynamic stability) has been performed for this missense variant. However, the output from this modeling did not meet the statistical confidence thresholds required to predict the impact of this variant on HNF1A protein function. This variant disrupts the p.Leu139 amino acid residue in HNF1A. Other variant(s) that disrupt this residue have been determined to be pathogenic (PMID: 32017842, 37396173; internal data). This suggests that this residue is clinically significant, and that variants that disrupt this residue are likely to be disease-causing. In summary, the available evidence is currently insufficient to determine the role of this variant in disease. Therefore, it has been classified as a Variant of Uncertain Significance.

Blueprint Genetics
Classification: Likely pathogenic for HNF1A-related disorders. Last evaluated: 2021-06-01. Review status: criteria provided, single submitter. Criteria: ACMG Guidelines, 2015. Collection method: clinical testing. Allele origin: germline. Affected: yes. Observed: 1 variant allele. Not counted in ClinVar's aggregate classification.

Genetic Services Laboratory, University of Chicago
Classification: Uncertain significance. Last evaluated: 2020-09-01. Review status: criteria provided, single submitter. Criteria: ACMG Guidelines, 2015. Collection method: clinical testing. Allele origin: germline. Affected: no. Not counted in ClinVar's aggregate classification.

PreventionGenetics, part of Exact Sciences
Classification: Uncertain significance for HNF1A-related condition. Last evaluated: 2023-12-21. Review status: no assertion criteria provided. Collection method: clinical testing. Allele origin: germline. Not counted in ClinVar's aggregate classification.
Comment: The HNF1A c.415C>T variant is predicted to result in the amino acid substitution p.Leu139Phe. To our knowledge, this variant has not been reported in the literature or in a large population database, indicating this variant is rare. Different missense changes impacting the same amino acid (p.Leu139Val and p. Leu139Pro) have been reported in individuals with maturity-onset diabetes of the young (MODY) (Kwak et al. 2016. PubMed ID: 27810688; Malikova et al. 2020. PubMed ID: 32017842) and in vitro functional studies demonstrate that the Leu139Pro variant negatively affects HNF1A function (Table 1, Malikova et al. 2020. PubMed ID: 32017842). Although we suspect that the p.Leu139Phe variant may be pathogenic, at this time, the clinical significance of this variant is uncertain due to the absence of conclusive functional and genetic evidence.

Literature cited by the submitters: PubMed 32017842 (cited by Labcorp Genetics (formerly Invitae), Labcorp); PubMed 37396173 (cited by Labcorp Genetics (formerly Invitae), Labcorp).